The following is an entry in ClinVar:

NM_005359.6(SMAD4):c.86G>A (p.Gly29Asp)

Gene: SMAD4 (SMAD family member 4; plus strand). Cytogenetic location: 18q21.2.
Variant type: single nucleotide variant.
Coding change: c.86G>A on transcript NM_005359.6 (MANE Select); coding-DNA position 86, G replaced by A.
Protein change: p.Gly29Asp; replaces glycine 29 with aspartic acid.
Molecular consequence: missense variant. On other transcripts: non-coding transcript variant (2).
Genome position (GRCh38, 1-based): chr18:51,047,132, G>A. VCF-style: chr18-51047132-G-A. GRCh37 (hg19) VCF-style: chr18-48573502-G-A.
Other names: c.86G>A, p.Gly29Asp (NM_001407041.1, NM_001407042.1, NM_001407043.1); short protein forms G29D.
Identifiers: ClinVar variation 2708237 (VCV002708237.5), dbSNP rs2144400817, ClinGen allele CA402457561.

ClinVar aggregate classification (germline): Uncertain significance. Review status: criteria provided, multiple submitters, no conflicts (2 of 4 stars). 3 submissions from 3 submitters: Uncertain significance (3). Last evaluated 2026-07-06.

Conditions:
Juvenile polyposis syndrome (JPS). Identifiers: Orphanet 2929, MedGen C0345893, MONDO:0017380, OMIM 174900.
Familial thoracic aortic aneurysm and aortic dissection (TAAD). Also called: Thoracic aortic aneurysms and dissections. Identifiers: Orphanet 91387, MedGen C4707243, MONDO:0019625.
Hereditary cancer-predisposing syndrome. Also called: Hereditary neoplastic syndrome; Hereditary Cancer Syndrome; Neoplastic Syndromes, Hereditary; Tumor predisposition. Identifiers: Orphanet 140162, MedGen C0027672, MeSH D009386, MONDO:0015356.

Submissions (3):

Ambry Genetics
Classification: Uncertain significance for Hereditary cancer-predisposing syndrome; Familial thoracic aortic aneurysm and aortic dissection. Last evaluated: 2026-07-06. Review status: criteria provided, single submitter. Criteria: Ambry Variant Classification Scheme 2023. Collection method: clinical testing. Allele origin: germline.
Comment: The p.G29D variant (also known as c.86G>A), located in coding exon 1 of the SMAD4 gene, results from a G to A substitution at nucleotide position 86. The glycine at codon 29 is replaced by aspartic acid, an amino acid with similar properties. This amino acid position is conserved. In addition, the in silico prediction for this alteration is inconclusive. Based on the available evidence, the clinical significance of this variant remains unclear.

GeneDx
Classification: Uncertain significance. Last evaluated: 2024-02-06. Review status: criteria provided, single submitter. Criteria: GeneDx Variant Classification Process June 2021. Collection method: clinical testing. Allele origin: germline. Affected: yes.
Comment: Not observed at significant frequency in large population cohorts (gnomAD); In silico analysis supports that this missense variant has a deleterious effect on protein structure/function; Has not been previously published as pathogenic or benign to our knowledge; This variant is associated with the following publications: (PMID: 15235019, 18823382, 22992590)

Labcorp Genetics (formerly Invitae), Labcorp
Classification: Uncertain significance for Juvenile polyposis syndrome. Last evaluated: 2024-01-08. Review status: criteria provided, single submitter. Criteria: Invitae Variant Classification Sherloc (09022015). Collection method: clinical testing. Allele origin: germline.
Comment: This sequence change replaces glycine, which is neutral and non-polar, with aspartic acid, which is acidic and polar, at codon 29 of the SMAD4 protein (p.Gly29Asp). This variant is not present in population databases (gnomAD no frequency). This variant has not been reported in the literature in individuals affected with SMAD4-related conditions. Advanced modeling of protein sequence and biophysical properties (such as structural, functional, and spatial information, amino acid conservation, physicochemical variation, residue mobility, and thermodynamic stability) has been performed at Invitae for this missense variant, however the output from this modeling did not meet the statistical confidence thresholds required to predict the impact of this variant on SMAD4 protein function. In summary, the available evidence is currently insufficient to determine the role of this variant in disease. Therefore, it has been classified as a Variant of Uncertain Significance.